The following is an entry in ClinVar:

NM_006343.3(MERTK):c.98C>T (p.Pro33Leu)

Gene: MERTK (MER proto-oncogene, tyrosine kinase; plus strand). Cytogenetic location: 2q13.
Variant type: single nucleotide variant.
Coding change: c.98C>T on transcript NM_006343.3 (MANE Select); coding-DNA position 98, C replaced by T.
Protein change: p.Pro33Leu; replaces proline 33 with leucine.
Molecular consequence: missense variant.
Genome position (GRCh38, 1-based): chr2:111,929,156, C>T. VCF-style: chr2-111929156-C-T. GRCh37 (hg19) VCF-style: chr2-112686733-C-T.
Other names: short protein forms P33L.
Identifiers: ClinVar variation 854252 (VCV000854252.15), dbSNP rs144751432, ClinGen allele CA1830976.

ClinVar aggregate classification (germline): Conflicting classifications of pathogenicity. Review status: criteria provided, conflicting classifications (1 of 4 stars). 5 submissions from 5 submitters: Uncertain significance (2); Benign (1); Likely benign (1). 1 of the submissions does not count toward it. Last evaluated 2026-08-31.

Conditions:
MERTK-related disorder. Also called: MERTK-related condition.
Optic atrophy. Identifiers: MedGen C0029124, MONDO:0003608, HP:0000648.
Retinitis pigmentosa (RP). Identifiers: Orphanet 791, MedGen C0035334, MeSH D012174, MONDO:0019200, OMIM 268000. Inheritance: Autosomal dominant, autosomal recessive and X linked inheritance.

Allele frequency attached by ClinVar (database versions not stated): ExAC 0.00016; TOPMed 0.00029; gnomAD 0.00031 and 0.00033; ESP Exome Variant Server 0.00038.
gnomAD v4.1: 123 of 1,614,034 alleles (0.0076%); highest among the groups gnomAD compares: African/African-American, 0.1%; no homozygotes.

Submissions (5):

PreventionGenetics, part of Exact Sciences
Classification: Uncertain significance for MERTK-related condition. Last evaluated: 2026-08-31. Review status: criteria provided, single submitter. Criteria: ACMG Guidelines, 2015. Collection method: clinical testing. Allele origin: germline.
Comment: The MERTK c.98C>T variant is predicted to result in the amino acid substitution p.Pro33Leu. To our knowledge, this variant has not been reported in the literature. This variant is reported in 0.11% of alleles in individuals of African descent in gnomAD, which may be too frequent to be a primary cause of disease. Although we suspect that this variant may be benign, at this time, the clinical significance of this variant is uncertain due to the absence of conclusive functional and genetic evidence.

Labcorp Genetics (formerly Invitae), Labcorp
Classification: Likely benign. Last evaluated: 2026-01-18. Review status: criteria provided, single submitter. Criteria: Invitae Variant Classification Sherloc (09022015). Collection method: clinical testing. Allele origin: germline.

Blueprint Genetics
Classification: Benign. Last evaluated: 2024-09-30. Review status: criteria provided, single submitter. Criteria: ACMG Guidelines, 2015. Collection method: clinical testing. Allele origin: germline.

Illumina Laboratory Services, Illumina
Classification: Uncertain significance for Retinitis pigmentosa. Last evaluated: 2018-01-12. Review status: criteria provided, single submitter. Criteria: ICSL Variant Classification Criteria 13 December 2019. Collection method: clinical testing. Allele origin: germline.

Institute of Human Genetics, Univ. Regensburg, Univ. Regensburg
Classification: Uncertain significance for Optic atrophy. Last evaluated: 2022-01-01. Review status: no assertion criteria provided. Criteria: ACMG Guidelines, 2015. Collection method: clinical testing. Allele origin: germline. Affected: yes. Not counted in ClinVar's aggregate classification.